The following is an entry in ClinVar:

ClinVar aggregate classification (germline): Pathogenic. Review status: criteria provided, multiple submitters, no conflicts (2 of 4 stars). 2 submissions from 2 submitters: Pathogenic (2). Last evaluated 2023-04-06.

Conditions:
Inborn genetic diseases. Identifiers: MedGen C0950123, MeSH D030342.

Allele frequency attached by ClinVar (database versions not stated): gnomAD exomes below 0.00001; ExAC 0.00001.
gnomAD v4.1: 1 of 1,613,780 alleles (0.000062%); highest among the groups gnomAD compares: Non-Finnish European, 0.000085%; no homozygotes.

Submissions (2):

Labcorp Genetics (formerly Invitae), Labcorp
Classification: Pathogenic. Last evaluated: 2023-04-06. Review status: criteria provided, single submitter. Criteria: Invitae Variant Classification Sherloc (09022015). Collection method: clinical testing. Allele origin: germline.
Comment: This sequence change creates a premature translational stop signal (p.Arg1178*) in the CIT gene. It is expected to result in an absent or disrupted protein product. Loss-of-function variants in CIT are known to be pathogenic (PMID: 27453579). This variant is present in population databases (rs753671672, gnomAD 0.0009%). This variant has not been reported in the literature in individuals affected with CIT-related conditions. ClinVar contains an entry for this variant (Variation ID: 2104919). For these reasons, this variant has been classified as Pathogenic.

Ambry Genetics
Classification: Pathogenic for Inborn genetic diseases. Last evaluated: 2020-11-10. Review status: criteria provided, single submitter. Criteria: Ambry Variant Classification Scheme 2023. Collection method: clinical testing. Allele origin: germline.
Comment: The c.3532C>T (p.R1178*) alteration, located in exon 28 (coding exon 27) of the CIT gene, consists of a C to T substitution at nucleotide position 3532. This changes the amino acid from a arginine (R) to a stop codon at amino acid position 1178. This alteration is expected to result in loss of function by premature protein truncation or nonsense-mediated mRNA decay. Based on the available evidence, this alteration is classified as pathogenic.

Literature cited by the submitters: PubMed 27453579 (cited by Labcorp Genetics (formerly Invitae), Labcorp).

NM_001206999.2(CIT):c.3532C>T (p.Arg1178Ter)

Gene: CIT (citron rho-interacting serine/threonine kinase; minus strand). Cytogenetic location: 12q24.23.
Variant type: single nucleotide variant.
Coding change: c.3532C>T on transcript NM_001206999.2 (MANE Select); coding-DNA position 3532, C replaced by T.
Protein change: p.Arg1178Ter; replaces arginine 1178 with a stop codon.
Molecular consequence: nonsense.
Genome position (GRCh38, 1-based): chr12:119,728,561, G>A on the plus strand (C>T on the coding strand, the complement: CIT is on the minus strand). VCF-style: chr12-119728561-G-A. GRCh37 (hg19) VCF-style: chr12-120166366-G-A.
Other names: c.3406C>T, p.Arg1136Ter (NM_007174.3); short protein forms R1136*, R1178*.
Identifiers: ClinVar variation 2104919 (VCV002104919.5), dbSNP rs753671672, ClinGen allele CA6821482.